The following is an entry in ClinVar:

NM_003238.6(TGFB2):c.1045G>A (p.Ala349Thr)

Gene: TGFB2 (transforming growth factor beta 2; plus strand). Cytogenetic location: 1q41.
Variant type: single nucleotide variant.
Coding change: c.1045G>A on transcript NM_003238.6 (MANE Select); coding-DNA position 1045, G replaced by A.
Protein change: p.Ala349Thr; replaces alanine 349 with threonine.
Molecular consequence: missense variant. On other transcripts: non-coding transcript variant (2).
Genome position (GRCh38, 1-based): chr1:218,437,455, G>A. VCF-style: chr1-218437455-G-A. GRCh37 (hg19) VCF-style: chr1-218610797-G-A.
Other names: c.1129G>A, p.Ala377Thr (NM_001135599.4); short protein forms A377T, A349T.
Identifiers: ClinVar variation 1775314 (VCV001775314.3), dbSNP rs1000597477, ClinGen allele CA37622363.

ClinVar aggregate classification (germline): Uncertain significance. Review status: criteria provided, multiple submitters, no conflicts (2 of 4 stars). 2 submissions from 2 submitters: Uncertain significance (2). Last evaluated 2025-08-18.

Conditions:
Loeys-Dietz syndrome 4 (LDS4). Also called: ANEURYSM, AORTIC AND CEREBRAL, WITH ARTERIAL TORTUOSITY AND SKELETAL MANIFESTATIONS; TGFB2-Related Loeys-Dietz Syndrome. Identifiers: MedGen C3553762, MONDO:0013897, OMIM 614816.
Familial thoracic aortic aneurysm and aortic dissection (TAAD). Also called: Thoracic aortic aneurysms and dissections. Identifiers: Orphanet 91387, MedGen C4707243, MONDO:0019625.

Allele frequency attached by ClinVar (database versions not stated): TOPMed below 0.00001; gnomAD 0.00001.
gnomAD v4.1: 10 of 1,613,438 alleles (0.00062%); highest among the groups gnomAD compares: Middle Eastern, 0.016%; no homozygotes.

Submissions (2):

Labcorp Genetics (formerly Invitae), Labcorp
Classification: Uncertain significance for Loeys-Dietz syndrome 4. Last evaluated: 2025-08-18. Review status: criteria provided, single submitter. Criteria: Invitae Variant Classification Sherloc (09022015). Collection method: clinical testing. Allele origin: germline.
Comment: This sequence change replaces alanine, which is neutral and non-polar, with threonine, which is neutral and polar, at codon 349 of the TGFB2 protein (p.Ala349Thr). This variant is not present in population databases (gnomAD no frequency). This variant has not been reported in the literature in individuals affected with TGFB2-related conditions. ClinVar contains an entry for this variant (Variation ID: 1775314). Invitae Evidence Modeling of protein sequence and biophysical properties (such as structural, functional, and spatial information, amino acid conservation, physicochemical variation, residue mobility, and thermodynamic stability) indicates that this missense variant is not expected to disrupt TGFB2 protein function with a negative predictive value of 80%. In summary, the available evidence is currently insufficient to determine the role of this variant in disease. Therefore, it has been classified as a Variant of Uncertain Significance.

Ambry Genetics
Classification: Uncertain significance for Familial thoracic aortic aneurysm and aortic dissection. Last evaluated: 2019-10-02. Review status: criteria provided, single submitter. Criteria: Ambry Variant Classification Scheme 2023. Collection method: clinical testing. Allele origin: germline.
Comment: The p.A349T variant (also known as c.1045G>A), located in coding exon 6 of the TGFB2 gene, results from a G to A substitution at nucleotide position 1045. The alanine at codon 349 is replaced by threonine, an amino acid with similar properties. This amino acid position is well conserved in available vertebrate species. In addition, the in silico prediction for this alteration is inconclusive. Since supporting evidence is limited at this time, the clinical significance of this alteration remains unclear.